The following is an entry in ClinVar:

NM_002578.5(PAK3):c.10G>A (p.Gly4Ser)

Gene: PAK3 (p21 (RAC1) activated kinase 3; plus strand). Cytogenetic location: Xq23.
Variant type: single nucleotide variant.
Coding change: c.10G>A on transcript NM_002578.5 (MANE Select); coding-DNA position 10, G replaced by A.
Protein change: p.Gly4Ser; replaces glycine 4 with serine.
Molecular consequence: missense variant. On other transcripts: non-coding transcript variant (9).
Genome position (GRCh38, 1-based): chrX:111,123,113, G>A. VCF-style: chrX-111123113-G-A. GRCh37 (hg19) VCF-style: chrX-110366341-G-A.
Other names: c.10G>A, p.Gly4Ser (NM_001128166.3, NM_001128167.3, NM_001128168.3 and 12 more transcripts); short protein forms G4S.
Identifiers: ClinVar variation 436144 (VCV000436144.67), dbSNP rs140296303, ClinGen allele CA10492567.

ClinVar aggregate classification (germline): Benign/Likely benign. Review status: criteria provided, multiple submitters, no conflicts (2 of 4 stars). 5 submissions from 5 submitters: Benign (3); Likely benign (2). Last evaluated 2025-07-23.

Conditions:
Inborn genetic diseases. Identifiers: MedGen C0950123, MeSH D030342.
Intellectual developmental disorder, X-linked 30. Also called: MENTAL RETARDATION, X-LINKED 47; Intellectual disability, X-linked 30. Identifiers: Orphanet 777, MedGen C0796237, MONDO:0010361, OMIM 300558.

Allele frequency attached by ClinVar (database versions not stated): gnomAD exomes 0.00017 and 0.00042; ExAC 0.00030; TOPMed 0.00019; ESP Exome Variant Server 0.00009; gnomAD 0.00016.
gnomAD v4.1: 211 of 1,201,151 alleles (0.018%); highest among the groups gnomAD compares: Admixed American, 0.02%; no homozygotes.

Submissions (5):

Labcorp Genetics (formerly Invitae), Labcorp
Classification: Benign. Last evaluated: 2025-07-23. Review status: criteria provided, single submitter. Criteria: Invitae Variant Classification Sherloc (09022015). Collection method: clinical testing. Allele origin: germline.

CeGaT Center for Human Genetics Tuebingen
Classification: Likely benign. Last evaluated: 2025-06-01. Review status: criteria provided, single submitter. Criteria: CeGaT Center For Human Genetics Tuebingen Variant Classification Criteria Version 2. Collection method: clinical testing. Allele origin: germline. Affected: yes. Observed: 1 variant allele.
Comment: PAK3: PP2, BP4, BS2

Ambry Genetics
Classification: Benign for Inborn genetic diseases. Last evaluated: 2018-04-04. Review status: criteria provided, single submitter. Criteria: Ambry Variant Classification Scheme 2023. Collection method: clinical testing. Allele origin: germline.

Illumina Laboratory Services, Illumina
Classification: Benign for Intellectual developmental disorder, X-linked 30. Last evaluated: 2018-01-12. Review status: criteria provided, single submitter. Criteria: ICSL Variant Classification Criteria 13 December 2019. Collection method: clinical testing. Allele origin: germline.
Comment: This variant was observed in the ICSL laboratory as part of a predisposition screen in an ostensibly healthy population. It had not been previously curated by ICSL or reported in the Human Gene Mutation Database (HGMD: prior to June 1st, 2018), and was therefore a candidate for classification through an automated scoring system. Utilizing variant allele frequency, disease prevalence and penetrance estimates, and inheritance mode, an automated score was calculated to assess if this variant is too frequent to cause the disease. Based on the score and internal cut-off values, a variant classified as benign is not then subjected to further curation. The score for this variant resulted in a classification of benign for this disease.

Genetic Services Laboratory, University of Chicago
Classification: Likely benign. Last evaluated: 2015-10-14. Review status: criteria provided, single submitter. Criteria: ACMG Guidelines, 2015. Collection method: clinical testing. Allele origin: germline. Affected: no.